The following is an entry in ClinVar:

ClinVar aggregate classification (germline): Uncertain significance (1 of 4 stars; one submission).

Conditions:
Inborn genetic diseases. Identifiers: MedGen C0950123, MeSH D030342.

Allele frequency attached by ClinVar (database versions not stated): gnomAD 0.00001; gnomAD exomes 0.00001.
gnomAD v4.1: 10 of 1,613,792 alleles (0.00062%); highest among the groups gnomAD compares: Non-Finnish European, 0.00076%; no homozygotes.

Submission:

Ambry Genetics
Classification: Uncertain significance for Inborn genetic diseases. Last evaluated: 2022-05-03. Review status: criteria provided, single submitter. Criteria: Ambry Variant Classification Scheme 2023. Collection method: clinical testing. Allele origin: germline.
Comment: The p.Y142H variant (also known as c.424T>C), located in coding exon 5 of the VRK1 gene, results from a T to C substitution at nucleotide position 424. The tyrosine at codon 142 is replaced by histidine, an amino acid with similar properties. This amino acid position is conserved. In addition, this alteration is predicted to be tolerated by in silico analysis. Since supporting evidence is limited at this time, the clinical significance of this alteration remains unclear.

NM_003384.3(VRK1):c.424T>C (p.Tyr142His)

Gene: VRK1 (VRK serine/threonine kinase 1; plus strand). Cytogenetic location: 14q32.2.
Variant type: single nucleotide variant.
Coding change: c.424T>C on transcript NM_003384.3 (MANE Select); coding-DNA position 424, T replaced by C.
Protein change: p.Tyr142His; replaces tyrosine 142 with histidine.
Molecular consequence: missense variant.
Genome position (GRCh38, 1-based): chr14:96,852,880, T>C. VCF-style: chr14-96852880-T-C. GRCh37 (hg19) VCF-style: chr14-97319217-T-C.
Other names: c.424T>C, p.Tyr142His (NM_001411051.1, NM_001411053.1); short protein forms Y142H.
Identifiers: ClinVar variation 1739083 (VCV001739083.2), dbSNP rs542053278, ClinGen allele CA266077520.
Genomic context (GRCh38, chr14:96,852,880, plus strand): 5'-TTTGTCTTCAGTTACAGGTTTATGATAATGGATCGCTTTGGGAGTGACCTTCAGAAAATA[T>C]ATGAAGCAAATGCCAAAAGGTTTTCTCGGAAAACTGTCTTGCAGCTAAGCTTAAGAATTG-3'
Protein context (NP_003375.1, residues 132-152): DRFGSDLQKI[Tyr142His]EANAKRFSRK